The following is an entry in ClinVar:

NM_000264.5(PTCH1):c.1526G>A (p.Gly509Asp)

Gene: PTCH1 (patched 1; minus strand). Cytogenetic location: 9q22.32.
Variant type: single nucleotide variant.
Coding change: c.1526G>A on transcript NM_000264.5 (MANE Select); coding-DNA position 1526, G replaced by A.
Protein change: p.Gly509Asp; replaces glycine 509 with aspartic acid.
Molecular consequence: missense variant. On other transcripts: non-coding transcript variant (1).
Genome position (GRCh38, 1-based): chr9:95,476,835, C>T on the plus strand (G>A on the coding strand, the complement: PTCH1 is on the minus strand). VCF-style: chr9-95476835-C-T. GRCh37 (hg19) VCF-style: chr9-98239117-C-T.
Other names: c.1328G>A, p.Gly443Asp (NM_001083602.3); c.1523G>A, p.Gly508Asp (NM_001083603.3); c.1073G>A, p.Gly358Asp (NM_001083604.3, NM_001083605.3, NM_001083606.3 and 1 more transcripts); c.1370G>A, p.Gly457Asp (NM_001354918.2); short protein forms G509D, G443D, G457D, G358D, G508D.
Identifiers: ClinVar variation 409140 (VCV000409140.18), dbSNP rs1060502268, ClinGen allele CA16612860.

ClinVar aggregate classification (germline): Pathogenic/Likely pathogenic. Review status: criteria provided, multiple submitters, no conflicts (2 of 4 stars). 4 submissions from 4 submitters: Pathogenic (3); Likely pathogenic (1). Last evaluated 2025-07-23.

Conditions:
Hereditary cancer-predisposing syndrome. Also called: Neoplastic Syndromes, Hereditary; Tumor predisposition; Hereditary Cancer Syndrome; Hereditary neoplastic syndrome. Identifiers: Orphanet 140162, MedGen C0027672, MeSH D009386, MONDO:0015356.
Gorlin syndrome. Also called: Nevoid Basal Cell Carcinoma Syndrome; Basal cell nevus syndrome. Identifiers: Orphanet 377, MedGen C0004779, MONDO:0007187.
PTCH1-related disorder. Also called: PTCH1-related disorders; PTCH1-related condition.

Allele frequency attached by ClinVar (database versions not stated): gnomAD exomes below 0.00001.
gnomAD v4.1: 1 of 1,614,034 alleles (0.000062%); no homozygotes.

Submissions (4):

PreventionGenetics, part of Exact Sciences
Classification: Pathogenic for PTCH1-related condition. Last evaluated: 2025-07-23. Review status: criteria provided, single submitter. Criteria: ACMG Guidelines, 2015. Collection method: clinical testing. Allele origin: germline.
Comment: The PTCH1 c.1526G>A variant is predicted to result in the amino acid substitution p.Gly509Asp. This variant was reported in multiple unrelated individuals with nevoid basal cell carcinoma syndrome (NBCCS)/Gorlin syndrome (Fujii et al 2003. PubMed ID: 12655573; Guo YY et al 2013. PubMed ID: 24204797; Gianferante DM et al 2018. PubMed ID: 30411536), and occurred de novo in one individual (Marsh A et al 2005. PubMed ID: 16088933). This variant has not been reported in a large population database, indicating this variant is rare. Other variants affecting the same amino acid, c.1526G>T, p.(Gly509Val) and c.1525G>C, p.(Gly509Arg), have been reported in multiple individuals with NBCCS (for example, Chidambaram et al. 1996. PubMed ID: 8840969; Pastorino L et al. 2005. PubMed ID: 15712338; Evans et al. 2017. PubMed ID: 28596197). This variant is interpreted as pathogenic in ClinVar (Variation ID: 409140). This variant is interpreted as pathogenic.

Molecular Pathology, Peter Maccallum Cancer Centre
Classification: Likely pathogenic for Gorlin syndrome. Last evaluated: 2024-07-04. Review status: criteria provided, single submitter. Criteria: ACMG Guidelines, 2015. Collection method: clinical testing. Allele origin: germline. Inheritance: Autosomal dominant inheritance.

Labcorp Genetics (formerly Invitae), Labcorp
Classification: Pathogenic for Gorlin syndrome. Last evaluated: 2024-04-28. Review status: criteria provided, single submitter. Criteria: Invitae Variant Classification Sherloc (09022015). Collection method: clinical testing. Allele origin: germline.
Comment: This sequence change replaces glycine, which is neutral and non-polar, with aspartic acid, which is acidic and polar, at codon 509 of the PTCH1 protein (p.Gly509Asp). This variant is not present in population databases (gnomAD no frequency). This missense change has been observed in individual(s) with Gorlin syndrome (PMID: 12655573, 16088933, 16301862, 24204797). In at least one individual the variant was observed to be de novo. ClinVar contains an entry for this variant (Variation ID: 409140). Advanced modeling of protein sequence and biophysical properties (such as structural, functional, and spatial information, amino acid conservation, physicochemical variation, residue mobility, and thermodynamic stability) performed at Invitae indicates that this missense variant is expected to disrupt PTCH1 protein function with a positive predictive value of 95%. This variant disrupts the p.Gly509 amino acid residue in PTCH1. Other variant(s) that disrupt this residue have been determined to be pathogenic (PMID: 8840969, 12192414, 15042702, 15712338). This suggests that this residue is clinically significant, and that variants that disrupt this residue are likely to be disease-causing. For these reasons, this variant has been classified as Pathogenic.

Ambry Genetics
Classification: Pathogenic for Hereditary cancer-predisposing syndrome. Last evaluated: 2023-12-21. Review status: criteria provided, single submitter. Criteria: Ambry Variant Classification Scheme 2023. Collection method: clinical testing. Allele origin: germline.
Comment: The p.G509D pathogenic mutation (also known as c.1526G>A), located in coding exon 11 of the PTCH1 gene, results from a G to A substitution at nucleotide position 1526. The glycine at codon 509 is replaced by aspartic acid, an amino acid with similar properties. This variant is considered to be rare based on population cohorts in the Genome Aggregation Database (gnomAD). This variant has been reported in numerous individuals diagnosed with nevoid basal cell carcinoma syndrome (NBCCS) (Fujii K et al. Hum. Mutat. 2003; 21:451-2, Nagao K et al. Hum. Mol. Genet. 2005; 14:3379-88, Klein RD et al. Genet. Med. 2005; 7(9):611-9, Marsh A et al. Hum. Mutat. 2005 Sep;26(3):283, Guo YY et al. PLoS ONE 2013; 8:e77305, Hong YJ et al. Bone Miner. Res. 2016 07;31(7):1413-28, Reinders MG et al. Mol Genet Genomic Med. 2018 05;6(3):409-415). In one of these individuals, this alteration was detected as a de novo finding (Marsh A et al. Hum. Mutat. 2005 Sep;26(3):283). Based on the supporting evidence, this alteration is interpreted as a disease-causing mutation.

Literature cited by the submitters: PubMed 12655573 (cited by Labcorp Genetics (formerly Invitae), Labcorp and Ambry Genetics); PubMed 16088933 (cited by Labcorp Genetics (formerly Invitae), Labcorp); PubMed 16301862 (cited by Labcorp Genetics (formerly Invitae), Labcorp and Ambry Genetics); PubMed 24204797 (cited by Labcorp Genetics (formerly Invitae), Labcorp and Ambry Genetics); PubMed 8840969 (cited by Labcorp Genetics (formerly Invitae), Labcorp and Ambry Genetics); PubMed 12192414 (cited by Labcorp Genetics (formerly Invitae), Labcorp); PubMed 15042702 (cited by Labcorp Genetics (formerly Invitae), Labcorp and Ambry Genetics); PubMed 15712338 (cited by Labcorp Genetics (formerly Invitae), Labcorp); PubMed 16203740 (cited by Ambry Genetics); PubMed 19557015 (cited by Ambry Genetics).